The following is an entry in ClinVar:

NM_003000.3(SDHB):c.120_122del (p.Lys41del)

Gene: SDHB (succinate dehydrogenase complex iron sulfur subunit B; minus strand). Cytogenetic location: 1p36.13.
Variant type: Deletion.
Coding change: c.120_122del on transcript NM_003000.3 (MANE Select); coding-DNA positions 120 to 122, 3 bases deleted (GAA; older notation c.120_122delGAA).
Protein change: p.Lys41del; deletes lysine 41.
Molecular consequence: inframe deletion.
Genome position (GRCh38, 1-based): chr1:17,044,839-17,044,841, TTC deleted on the plus strand (GAA on the coding strand, the reverse complement: SDHB is on the minus strand); deleting any 3 consecutive bases within chr1:17,044,839-17,044,843 gives the same sequence; the c. name uses the placement nearest the transcript's 3' end. VCF-style (leftmost placement, unchanged base first): chr1-17044838-TTTC-T. GRCh37 (hg19) VCF-style: chr1-17371333-TTTC-T.
Other names: c.120_122del, p.Lys41del (NM_001407361.1); short protein forms K41del.
Identifiers: ClinVar variation 2941552 (VCV002941552.3), dbSNP rs2525059878, ClinGen allele CA2740090609.

ClinVar aggregate classification (germline): Uncertain significance (1 of 4 stars; one submission).

Conditions:
Pheochromocytoma. Also called: MAX-Related Hereditary Paraganglioma-Pheochromocytoma Syndrome. Identifiers: Orphanet 29072, MedGen C0031511, MONDO:0008233, OMIM 171300, HP:0002666.
Gastrointestinal stromal tumor. Also called: Gastrointestinal stromal tumor, somatic; Gastrointestinal stroma tumor. Identifiers: Orphanet 44890, MedGen C0238198, MeSH D046152, MONDO:0011719, OMIM 606764, HP:0100723.
Pheochromocytoma/paraganglioma syndrome 4. Also called: CAROTID BODY TUMORS AND MULTIPLE EXTRAADRENAL PHEOCHROMOCYTOMAS; PARAGANGLIOMA, FAMILIAL MALIGNANT; PARAGANGLIOMAS, HEREDITARY EXTRAADRENAL; PHEOCHROMOCYTOMA, FAMILIAL EXTRAADRENAL; Paragangliomas 4; SDHB-Related Hereditary Paraganglioma-Pheochromocytoma Syndrome (Paragangliomas 4). Identifiers: Orphanet 29072, MedGen C1861848, MONDO:0007273, OMIM 115310.

Submission:

Labcorp Genetics (formerly Invitae), Labcorp
Classification: Uncertain significance for Gastrointestinal stromal tumor; Pheochromocytoma/paraganglioma syndrome 4; Pheochromocytoma. Last evaluated: 2024-04-16. Review status: criteria provided, single submitter. Criteria: Invitae Variant Classification Sherloc (09022015). Collection method: clinical testing. Allele origin: germline.
Comment: This variant, c.120_122del, results in the deletion of 1 amino acid(s) of the SDHB protein (p.Lys41del), but otherwise preserves the integrity of the reading frame. This variant is not present in population databases (gnomAD no frequency). This variant has been observed in individual(s) with paraganglioma (Invitae). Experimental studies and prediction algorithms are not available or were not evaluated, and the functional significance of this variant is currently unknown. In summary, the available evidence is currently insufficient to determine the role of this variant in disease. Therefore, it has been classified as a Variant of Uncertain Significance.